The following is an entry in ClinVar:

NM_170601.5(SIAE):c.1124+6A>T

Gene: SIAE (sialic acid acetylesterase; minus strand). Cytogenetic location: 11q24.2.
Variant type: single nucleotide variant.
Coding change: c.1124+6A>T on transcript NM_170601.5 (MANE Select); 6 bases into the intron after coding-DNA position 1124, A replaced by T.
Molecular consequence: intron variant.
Genome position (GRCh38, 1-based): chr11:124,639,704, T>A on the plus strand (A>T on the coding strand, the complement: SIAE is on the minus strand). VCF-style: chr11-124639704-T-A. GRCh37 (hg19) VCF-style: chr11-124509600-T-A.
Other names: c.1019+6A>T (NM_001199922.2).
Identifiers: ClinVar variation 3675306 (VCV003675306.2).

ClinVar aggregate classification (germline): Uncertain significance (1 of 4 stars; one submission).

gnomAD v4.1: 16 of 1,613,824 alleles (0.00099%); highest among the groups gnomAD compares: Non-Finnish European, 0.0014%; no homozygotes.

Submission:

Labcorp Genetics (formerly Invitae), Labcorp
Classification: Uncertain significance. Last evaluated: 2025-01-08. Review status: criteria provided, single submitter. Criteria: Invitae Variant Classification Sherloc (09022015). Collection method: clinical testing. Allele origin: germline.
Comment: This sequence change falls in intron 8 of the SIAE gene. It does not directly change the encoded amino acid sequence of the SIAE protein. It affects a nucleotide within the consensus splice site. This variant is present in population databases (rs768838529, gnomAD 0.003%). This variant has not been reported in the literature in individuals affected with SIAE-related conditions. Variants that disrupt the consensus splice site are a relatively common cause of aberrant splicing (PMID: 17576681, 9536098). Algorithms developed to predict the effect of sequence changes on RNA splicing suggest that this variant is not likely to affect RNA splicing. In summary, the available evidence is currently insufficient to determine the role of this variant in disease. Therefore, it has been classified as a Variant of Uncertain Significance.

Literature cited by the submitters: PubMed 17576681; PubMed 9536098.